The following is an entry in ClinVar:

ClinVar aggregate classification (germline): Conflicting classifications of pathogenicity. Review status: criteria provided, conflicting classifications (1 of 4 stars). 6 submissions from 6 submitters: Uncertain significance (1); Likely benign (4). 1 of the submissions does not count toward it. Last evaluated 2026-01-26.

Conditions:
CRPPA-related disorder.
Muscular dystrophy-dystroglycanopathy (congenital with brain and eye anomalies), type A, 7. Also called: Congenital muscular dystrophy-dystroglycanopathy with brain and eye anomalies, type A7; WALKER-WARBURG SYNDROME OR MUSCLE-EYE-BRAIN DISEASE, ISPD-RELATED. Identifiers: Orphanet 899, MedGen C3553330, MONDO:0013835, OMIM 614643.
Autosomal recessive limb-girdle muscular dystrophy type 2U. Also called: Muscular dystrophy-dystroglycanopathy (limb-girdle), type c, 7; MUSCULAR DYSTROPHY, LIMB-GIRDLE, TYPE 2U. Identifiers: Orphanet 352479, MedGen C5190987, MONDO:0014474, OMIM 616052.

Allele frequency attached by ClinVar (database versions not stated): gnomAD 0.00001 and 0.00007; TOPMed 0.00001; gnomAD exomes 0.00009 and 0.00017; ExAC 0.00022; 1000 Genomes Project 30x 0.00078; 1000 Genomes Project 0.00100.
gnomAD v4.1: 141 of 1,610,910 alleles (0.0088%); highest among the groups gnomAD compares: South Asian, 0.12%; no homozygotes.

Submissions (6):

Labcorp Genetics (formerly Invitae), Labcorp
Classification: Likely benign for Muscular dystrophy-dystroglycanopathy (congenital with brain and eye anomalies), type A, 7; Autosomal recessive limb-girdle muscular dystrophy type 2U. Last evaluated: 2026-01-26. Review status: criteria provided, single submitter. Criteria: Invitae Variant Classification Sherloc (09022015). Collection method: clinical testing. Allele origin: germline.

Blueprint Genetics
Classification: Likely benign. Last evaluated: 2024-07-23. Review status: criteria provided, single submitter. Criteria: ACMG Guidelines, 2015. Collection method: clinical testing. Allele origin: germline.

CeGaT Center for Human Genetics Tuebingen
Classification: Likely benign. Last evaluated: 2022-07-01. Review status: criteria provided, single submitter. Criteria: CeGaT Center For Human Genetics Tuebingen Variant Classification Criteria Version 2. Collection method: clinical testing. Allele origin: germline. Affected: yes. Observed: 2 variant alleles.
Comment: CRPPA: BP4

GeneDx
Classification: Likely benign. Last evaluated: 2020-06-02. Review status: criteria provided, single submitter. Criteria: GeneDx Variant Classification (06012015). Collection method: clinical testing. Allele origin: germline. Affected: yes.

Eurofins Ntd Llc (ga)
Classification: Uncertain significance. Last evaluated: 2018-06-05. Review status: criteria provided, single submitter. Criteria: EGL ClinVar v180209 classification definitions. Collection method: clinical testing. Allele origin: germline. Observed: 4 variant alleles, 4 heterozygotes.

PreventionGenetics, part of Exact Sciences
Classification: Likely benign for CRPPA-related condition. Last evaluated: 2019-08-01. Review status: no assertion criteria provided. Collection method: clinical testing. Allele origin: germline. Not counted in ClinVar's aggregate classification.
Comment: This variant is classified as likely benign based on ACMG/AMP sequence variant interpretation guidelines (Richards et al. 2015 PMID: 25741868, with internal and published modifications).

NM_001101426.4(CRPPA):c.645A>G (p.Gln215=)

Gene: CRPPA (CDP-L-ribitol pyrophosphorylase A; minus strand). Cytogenetic location: 7p21.2.
Variant type: single nucleotide variant.
Coding change: c.645A>G on transcript NM_001101426.4 (MANE Select); coding-DNA position 645, A replaced by G.
Protein change: p.Gln215=; no amino-acid change (glutamine 215 retained).
Molecular consequence: synonymous variant. On other transcripts: non-coding transcript variant (1), intron variant (1).
Genome position (GRCh38, 1-based): chr7:16,376,131, T>C on the plus strand (A>G on the coding strand, the complement: CRPPA is on the minus strand). VCF-style: chr7-16376131-T-C. GRCh37 (hg19) VCF-style: chr7-16415756-T-C.
Other names: c.645A>G, p.Gln215= (NM_001368197.1); c.534+29930A>G (NM_001101417.4).
Identifiers: ClinVar variation 513049 (VCV000513049.50), dbSNP rs532057629, ClinGen allele CA4169550.